The following is an entry in ClinVar:

ClinVar aggregate classification (germline): Likely benign (1 of 4 stars; one submission).

Submission:

CeGaT Center for Human Genetics Tuebingen
Classification: Likely benign. Last evaluated: 2023-12-01. Review status: criteria provided, single submitter. Criteria: CeGaT Center For Human Genetics Tuebingen Variant Classification Criteria Version 2. Collection method: clinical testing. Allele origin: germline. Affected: yes. Observed: 1 variant allele.
Comment: APC2: BP4, BP7

NM_005883.3(APC2):c.1227G>C (p.Pro409=)

Gene: APC2 (APC regulator of Wnt signaling pathway 2; plus strand). Cytogenetic location: 19p13.3.
Variant type: single nucleotide variant.
Coding change: c.1227G>C on transcript NM_005883.3 (MANE Select); coding-DNA position 1227, G replaced by C.
Protein change: p.Pro409=; no amino-acid change (proline 409 retained).
Molecular consequence: synonymous variant.
Genome position (GRCh38, 1-based): chr19:1,457,984, G>C. VCF-style: chr19-1457984-G-C. GRCh37 (hg19) VCF-style: chr19-1457983-G-C.
Other names: c.1224G>C, p.Pro408= (NM_001351273.1).
Identifiers: ClinVar variation 3026647 (VCV003026647.22), dbSNP rs751535159, ClinGen allele CA504722551.
Genomic context (GRCh38, chr19:1,457,984, plus strand): 5'-TCCTGGGAATGGGGGCTCTGATCTGGTCCCTGTGCCCACAGCCCCGATCCCCATCGAGCC[G>C]CAGATCTGCCAGGCCACCTGTGCTGTTATGAAGCTGTCCTTTGATGAGGAGTACCGCCGT-3'
Protein context (NP_005874.1, residues 399-419): GAGSAPIPIE[Pro409=]QICQATCAVM